The following is an entry in ClinVar:

NM_016292.3(TRAP1):c.1242C>G (p.Leu414=)

Gene: TRAP1 (TNF receptor associated protein 1; minus strand). Cytogenetic location: 16p13.3.
Variant type: single nucleotide variant.
Coding change: c.1242C>G on transcript NM_016292.3 (MANE Select); coding-DNA position 1242, C replaced by G.
Protein change: p.Leu414=; no amino-acid change (leucine 414 retained).
Molecular consequence: synonymous variant.
Genome position (GRCh38, 1-based): chr16:3,666,112, G>C on the plus strand (C>G on the coding strand, the complement: TRAP1 is on the minus strand). VCF-style: chr16-3666112-G-C. GRCh37 (hg19) VCF-style: chr16-3716113-G-C.
Other names: c.1083C>G, p.Leu361= (NM_001272049.2).
Identifiers: ClinVar variation 3054502 (VCV003054502.2), dbSNP rs373510798, ClinGen allele CA7868175.

ClinVar aggregate classification (germline): Likely benign (0 of 4 stars; one submission).

Conditions:
TRAP1-related disorder. Also called: TRAP1-related condition.

Allele frequency attached by ClinVar (database versions not stated): TOPMed 0.00005; gnomAD 0.00007; gnomAD exomes 0.00009; ExAC 0.00012; ESP Exome Variant Server 0.00015; 1000 Genomes Project 30x 0.00016; 1000 Genomes Project 0.00020.
gnomAD v4.1: 135 of 1,610,856 alleles (0.0084%); highest among the groups gnomAD compares: South Asian, 0.054%; 1 homozygote.

Submission:

PreventionGenetics, part of Exact Sciences
Classification: Likely benign for TRAP1-related condition. Last evaluated: 2022-03-14. Review status: no assertion criteria provided. Collection method: clinical testing. Allele origin: germline.
Comment: This variant is classified as likely benign based on ACMG/AMP sequence variant interpretation guidelines (Richards et al. 2015 PMID: 25741868, with internal and published modifications).